The following is an entry in ClinVar:

ClinVar aggregate classification (germline): Pathogenic (1 of 4 stars; one submission).

Conditions:
Primary ciliary dyskinesia. Also called: Ciliary dyskinesia. Identifiers: Orphanet 244, MedGen C0008780, MONDO:0016575, HP:0012265.

Submission:

Labcorp Genetics (formerly Invitae), Labcorp
Classification: Pathogenic for Primary ciliary dyskinesia. Last evaluated: 2025-02-10. Review status: criteria provided, single submitter. Criteria: Invitae Variant Classification Sherloc (09022015). Collection method: clinical testing. Allele origin: germline.
Comment: This sequence change creates a premature translational stop signal (p.Lys378Serfs*60) in the DNAAF5 gene. It is expected to result in an absent or disrupted protein product. Loss-of-function variants in DNAAF5 are known to be pathogenic (PMID: 24307375, 25232951). This variant is not present in population databases (gnomAD no frequency). This variant has not been reported in the literature in individuals affected with DNAAF5-related conditions. For these reasons, this variant has been classified as Pathogenic.

Literature cited by the submitters: PubMed 24307375; PubMed 25232951.

NM_017802.4(DNAAF5):c.1133del (p.Lys378fs)

Gene: DNAAF5 (dynein axonemal assembly factor 5; plus strand). Cytogenetic location: 7p22.3.
Variant type: Deletion.
Coding change: c.1133del on transcript NM_017802.4 (MANE Select); coding-DNA position 1133, one base deleted (A; older notation c.1133delA).
Protein change: p.Lys378fs; shifts the reading frame from lysine 378.
Molecular consequence: frameshift variant. On other transcripts: non-coding transcript variant (1).
Genome position (GRCh38, 1-based): chr7:754,697, A deleted; the last of 2 consecutive A bases (chr7:754,696-754,697); deleting either gives the same sequence. VCF-style (leftmost placement, unchanged base first): chr7-754695-GA-G. GRCh37 (hg19) VCF-style: chr7-794332-GA-G.
Other names: short protein forms K378fs.
Identifiers: ClinVar variation 4760162 (VCV004760162.1).
Genomic context (GRCh38, chr7:754,695, plus strand): 5'-CTCCAAGATCCTCCCTGCCCTGTGCCACGACATCACCGACTGGGTGGTGGGGACCCGAGT[GA>G]AGTCGGCACAGCTGCTCCCAGTGCTGCTGCTGCATGCCGAGGACCACGCCACGCAGCACC-3'